The following is an entry in ClinVar:

NM_001001850.3(STX19):c.113C>G (p.Ala38Gly)

Genes: ARL13B (ARF like GTPase 13B; plus strand), STX19 (syntaxin 19; minus strand). Cytogenetic location: 3q11.2.
Variant type: single nucleotide variant.
Coding change: c.113C>G on transcript NM_001001850.3 (MANE Select); coding-DNA position 113, C replaced by G.
Protein change: p.Ala38Gly; replaces alanine 38 with glycine.
Molecular consequence: missense variant. On other transcripts: intron variant (7).
Genome position (GRCh38, 1-based): chr3:94,015,157, G>C on the plus strand (C>G on the coding strand, the complement: STX19 is on the minus strand). VCF-style: chr3-94015157-G-C. GRCh37 (hg19) VCF-style: chr3-93734001-G-C.
Other names: c.335+11249G>C (NM_001321328.2); c.380+11249G>C (NM_001174150.2, NM_182896.3, NM_001410782.1); c.71+11249G>C (NM_001174151.2); c.60-20174G>C (NM_144996.4, NM_001437443.1); short protein forms A38G.
Identifiers: ClinVar variation 4821144 (VCV004821144.4).
Genomic context (GRCh38, chr3:94,015,157, plus strand): 5'-TGTAGTTTTTGGATTTCATGTAGGTGTCTCTCAGCTACAGGCTCTCTTTCATAAATAACA[G>C]CTTGCTGTAGAAACACCCCTTGTTCCTCTGTTTCTGTAGTTGATACATGACTGTCTCTAG-3'
Protein context (NP_001001850.1, residues 28-48): TEEQGVFLQQ[Ala38Gly]VIYEREPVAE

ClinVar aggregate classification (germline): Likely benign (1 of 4 stars; one submission).

gnomAD v4.1: 1,063 of 1,613,918 alleles (0.066%); highest among the groups gnomAD compares: African/African-American, 1.1%; 5 homozygotes.

Submission:

CeGaT Center for Human Genetics Tuebingen
Classification: Likely benign. Last evaluated: 2026-01-01. Review status: criteria provided, single submitter. Criteria: CeGaT Center For Human Genetics Tuebingen Variant Classification Criteria Version 2. Collection method: clinical testing. Allele origin: germline. Affected: yes. Observed: 1 variant allele.
Comment: STX19: BS1